The following is an entry in ClinVar:

NM_001692.4(ATP6V1B1):c.297_298insTTATACACATCTGT (p.Asp100fs)

Gene: ATP6V1B1 (ATPase H+ transporting V1 subunit B1; plus strand). Cytogenetic location: 2p13.3.
Variant type: Insertion.
Coding change: c.297_298insTTATACACATCTGT on transcript NM_001692.4 (MANE Select); coding-DNA positions 297 to 298, TTATACACATCTGT inserted.
Protein change: p.Asp100fs; shifts the reading frame from aspartic acid 100.
Molecular consequence: frameshift variant.
Genome position: GRCh38 VCF-style: chr2-70958356-C-CTTATACACATCTGT. GRCh37 (hg19) VCF-style: chr2-71185486-C-CTTATACACATCTGT.
Other names: short protein forms D100fs.
Identifiers: ClinVar variation 5010543 (VCV005010543.1).

ClinVar aggregate classification (germline): Pathogenic (1 of 4 stars; one submission).

Conditions:
Renal tubular acidosis with progressive nerve deafness. Also called: RENAL TUBULAR ACIDOSIS, AUTOSOMAL RECESSIVE, WITH PROGRESSIVE NERVE DEAFNESS; RTA WITH PROGRESSIVE NERVE DEAFNESS; Distal Renal Tubular Acidosis with Progressive Sensorineural Deafness; renal tubular acidosis, distal, 2, with progressive sensorineural hearing loss. Identifiers: MedGen C0403554, MONDO:0009968, OMIM 267300.

Submission:

Myriad Genetics, Inc.
Classification: Pathogenic for Renal tubular acidosis with progressive nerve deafness. Last evaluated: 2024-05-14. Review status: criteria provided, single submitter. Criteria: Myriad Autosomal Dominant, Autosomal Recessive and X-Linked Classification Criteria (2023). Collection method: clinical testing. Allele origin: unknown.
Comment: NM_001692.3(ATP6V1B1):c.297_298ins14(D100Lfs*69) is expected to be pathogenic in the context of distal renal tubular acidosis with deafness, ATP6V1B1-related. This variant is predicted to lead to an abnormal or absent protein product due to the creation of a premature termination codon in ATP6V1B1, a gene where loss-of-function variants are known to be pathogenic. Please note: this variant was assessed in the context of healthy population screening.